The following is an entry in ClinVar:

ClinVar aggregate classification (germline): Benign. Review status: criteria provided, multiple submitters, no conflicts (2 of 4 stars). 3 submissions from 3 submitters: Benign (3). Last evaluated 2026-02-04.

Conditions:
LAMA2-related muscular dystrophy (LAMA2-RD). Also called: Laminin alpha 2-related dystrophy. Identifiers: MedGen C5679788, MONDO:0100228.
Merosin deficient congenital muscular dystrophy (MDC1A). Also called: Congenital merosin-deficient muscular dystrophy 1A; Congenital Muscular Dystrophy Type 1A (MDC1A). Identifiers: Orphanet 258, MedGen C1263858, MONDO:0011925, OMIM 607855.

Allele frequency attached by ClinVar (database versions not stated): gnomAD exomes 0.29732 and 0.32804; ExAC 0.33216; ESP Exome Variant Server 0.36137; gnomAD 0.36969 and 0.37054; TOPMed 0.37454; 1000 Genomes Project 0.41613; 1000 Genomes Project 30x 0.41958.

Submissions (3):

Labcorp Genetics (formerly Invitae), Labcorp
Classification: Benign for LAMA2-related muscular dystrophy. Last evaluated: 2026-02-04. Review status: criteria provided, single submitter. Criteria: Invitae Variant Classification Sherloc (09022015). Collection method: clinical testing. Allele origin: germline.

Athena Diagnostics
Classification: Benign for Merosin deficient congenital muscular dystrophy. Last evaluated: 2017-04-14. Review status: criteria provided, single submitter. Criteria: Athena Diagnostics Criteria. Collection method: clinical testing. Allele origin: germline.

GeneDx
Classification: Benign. Last evaluated: 2016-01-05. Review status: criteria provided, single submitter. Criteria: GeneDx Variant Classification (06012015). Collection method: clinical testing. Allele origin: germline. Affected: yes.
Comment: This variant is considered likely benign or benign based on one or more of the following criteria: it is a conservative change, it occurs at a poorly conserved position in the protein, it is predicted to be benign by multiple in silico algorithms, and/or has population frequency not consistent with disease.

Literature cited by the submitters: PubMed 12552556 (cited by Athena Diagnostics); PubMed 8957020 (cited by Athena Diagnostics); PubMed 9541105 (cited by Athena Diagnostics).

NM_000426.4(LAMA2):c.7760= (p.Ala2587=)

Gene: LAMA2 (laminin subunit alpha 2; plus strand). Cytogenetic location: 6q22.33.
Variant type: single nucleotide variant.
Coding change: c.7760= on transcript NM_000426.4 (MANE Select); coding-DNA position 7760, no change from the reference sequence.
Protein change: p.Ala2587=; no amino-acid change (alanine 2587 retained).
Molecular consequence: no sequence alteration.
Genome position: GRCh38 VCF-style: chr6-129486484-C-C. GRCh37 (hg19) VCF-style: chr6-129807629-C-C.
Other names: c.7748=, p.Ala2583= (NM_001079823.2); short protein forms V2587A.
Identifiers: ClinVar variation 477511 (VCV000477511.12), dbSNP rs2229848.